The following is an entry in ClinVar:

NM_004859.4(CLTC):c.2325_2327del (p.Ile776del)

Gene: CLTC (clathrin heavy chain; plus strand). Cytogenetic location: 17q23.1.
Variant type: Deletion.
Coding change: c.2325_2327del on transcript NM_004859.4 (MANE Select); coding-DNA positions 2325 to 2327, 3 bases deleted (CAT; older notation c.2325_2327delCAT).
Protein change: p.Ile776del; deletes isoleucine 776.
Molecular consequence: inframe deletion.
Genome position (GRCh38, 1-based): chr17:59,673,679-59,673,681, CAT deleted; deleting any 3 consecutive bases within chr17:59,673,677-59,673,681 gives the same sequence; the c. name uses the placement nearest the transcript's 3' end. VCF-style (leftmost placement, unchanged base first): chr17-59673676-TATC-T. GRCh37 (hg19) VCF-style: chr17-57751037-TATC-T.
Other names: c.2337_2339delCAT (NM_001288653.1); c.2337_2339del (NM_001288653.1); c.2337_2339del, p.Ile780del (NM_001288653.2); c.2323_2325delATC (NM_004859.4); short protein forms I780del, I776del.
Identifiers: ClinVar variation 808303 (VCV000808303.49), dbSNP rs1598233581, ClinGen allele CA915950651.

ClinVar aggregate classification (germline): Conflicting classifications of pathogenicity. Review status: criteria provided, conflicting classifications (1 of 4 stars). 4 submissions from 4 submitters: Pathogenic (3); Uncertain significance (1). Last evaluated 2024-12-10.

Conditions:
Intellectual developmental disorder, autosomal dominant 56. Also called: MENTAL RETARDATION, AUTOSOMAL DOMINANT 56; Intellectual disability, autosomal dominant 56. Identifiers: MedGen C4693389, MONDO:0030922, OMIM 617854.

Submissions (4):

GeneDx
Classification: Pathogenic. Last evaluated: 2024-12-10. Review status: criteria provided, single submitter. Criteria: GeneDx Variant Classification Process June 2021. Collection method: clinical testing. Allele origin: germline. Affected: yes.
Comment: In-frame deletion of 1 amino acids in a non-repeat region; Not observed at significant frequency in large population cohorts (gnomAD); In silico analysis does not support a benign or deleterious effect of this variant on protein structure/function; This variant is associated with the following publications: (PMID: 31776469)

CeGaT Center for Human Genetics Tuebingen
Classification: Uncertain significance. Last evaluated: 2018-02-01. Review status: criteria provided, single submitter. Criteria: CeGaT Center For Human Genetics Tuebingen Variant Classification Criteria Version 2. Collection method: clinical testing. Allele origin: germline. Affected: yes. Observed: 1 variant allele.

Institute for Genomic Statistics and Bioinformatics, University Hospital Bonn
Classification: Pathogenic for Intellectual developmental disorder, autosomal dominant 56. Review status: criteria provided, single submitter. Criteria: ACMG Guidelines, 2015. Collection method: clinical testing. Allele origin: de novo. Affected: yes. Observed: 1 heterozygote.
Comment: Evaluation: The heterozygous deletion of the three bases ACT at position 57751038 to Chr 17 was covered with 104 reads with an alternative AAV of 43%. The variant leads to the deletion of the over many species highly conserved amino acid Isoleuzine at position 775 in CLTC. Bioinformatic prediction programs like mutation buttons and GERP grades this variant pathogenic one. This variant is certified according to ACMG guidelines are also classified as pathogenic. Classification according to ACMG guidelines of c.2323_2325del in CLTC: - PS2: New mutation (another independent validation is pending). - PM1: The variant is located in a mutation hotspot. - PM2: The variant was not identified in population genetic studies (such as GnomAD, Iranome, GME, 1kGP, etc.) observed. - PM4: The protein length changes due to deletion in a non-repetitive region of CLTC. - PP3: Bioinformatic prediction programs such as GERP and mutation scanners grade this variant as pathogenic a - PP5: In ClinVar, the deletion of the neighboring amino acid isoleucine776 variant is called variant of unknown clinical significance (RCV000996591/), but this variant has been identified as pathogenic in recent studies by Nabais et al. (2020). The gene CLTC (MIM*118955) encodes the heavy chain of the clathrin protein complex. Clathrin is a major protein component of the cytoplasmic surface of intracellular organelles, which is known as coated Vesicles and coated pits (clathrin coated vesicles / clathrin coated pits) designated become. These specialized organelles are involved in the intracellular transfer of receptors and endocytosis of a large number of macromolecules are involved. Clathrin molecules consist of 3 non-covalent bound heavy chains (CLTC) and 3 light chains (e.g. CLTA). Heterozygous new mutations lead to the autosomal dominant inherited form of mental retardation 56 (MIM#17854).3 In a review by Nabais et al (2020), the deletion of isoleucine 776 (equivalent to Isoleuzine 775) in Individual 3 has been described as causing the disease. The clinical signs and symptoms were rather mild with motor development delay, delayed speech development and limited Intellect without seizures. Protein structure analysis (PDB 3iyv) of the distal segment of the Page 3 of 3 heavy clathrin chain show that in-frame variants occur in a range that is closely interrelated with the other heavy chain. A loss of isoleucine 775 (equivalent to Ile776) could influence the interaction with other heavy chains and thus change the structure of the clathrin- destabilize the hull complex.

Laboratoire de Génétique Moléculaire, CHU Bordeaux
Classification: Pathogenic. Review status: criteria provided, single submitter. Criteria: ACMG Guidelines, 2015. Collection method: clinical testing. Allele origin: germline. Affected: yes.